The following is an entry in ClinVar:

NM_003803.4(MYOM1):c.3864+3A>T

Gene: MYOM1 (myomesin 1; minus strand). Cytogenetic location: 18p11.31.
Variant type: single nucleotide variant.
Coding change: c.3864+3A>T on transcript NM_003803.4 (MANE Select); 3 bases into the intron after coding-DNA position 3864, A replaced by T.
Molecular consequence: intron variant.
Genome position (GRCh38, 1-based): chr18:3,094,167, T>A on the plus strand (A>T on the coding strand, the complement: MYOM1 is on the minus strand). VCF-style: chr18-3094167-T-A. GRCh37 (hg19) VCF-style: chr18-3094165-T-A.
Other names: c.3576+3A>T (NM_019856.2).
Identifiers: ClinVar variation 4718738 (VCV004718738.1).
Genomic context (GRCh38, chr18:3,094,167, plus strand): 5'-ATAAGGCTTCCTCAGTGTATTCTACAATGATACATTAAAAAGTCTAAACAGTGTAAAACC[T>A]ACCGGGCCTTCAAAAATTTCCTTCTCGTTAAATATGTAGTTGACTTTGGCATTGCCAGAC-3'

ClinVar aggregate classification (germline): Uncertain significance (1 of 4 stars; one submission).

Conditions:
Hypertrophic cardiomyopathy. Also called: HYPERTROPHIC MYOCARDIOPATHY. Identifiers: Orphanet 217569, MedGen C0007194, MeSH D002312, MONDO:0005045, HP:0001639.

gnomAD v4.1: 2 of 1,613,864 alleles (0.00012%); highest among the groups gnomAD compares: African/African-American, 0.0013%; no homozygotes.

Submission:

Labcorp Genetics (formerly Invitae), Labcorp
Classification: Uncertain significance for Hypertrophic cardiomyopathy. Last evaluated: 2026-01-20. Review status: criteria provided, single submitter. Criteria: Invitae Variant Classification Sherloc (09022015). Collection method: clinical testing. Allele origin: germline.
Comment: This sequence change falls in intron 26 of the MYOM1 gene. It does not directly change the encoded amino acid sequence of the MYOM1 protein. It affects a nucleotide within the consensus splice site. This variant is not present in population databases (gnomAD no frequency). This variant has not been reported in the literature in individuals affected with MYOM1-related conditions. Variants that disrupt the consensus splice site are a relatively common cause of aberrant splicing (PMID: 17576681, 9536098). Algorithms developed to predict the effect of sequence changes on RNA splicing suggest that this variant may disrupt the consensus splice site. In summary, the available evidence is currently insufficient to determine the role of this variant in disease. Therefore, it has been classified as a Variant of Uncertain Significance.

Literature cited by the submitters: PubMed 17576681; PubMed 9536098.